The following is an entry in ClinVar:

ClinVar aggregate classification (germline): Uncertain significance (1 of 4 stars; one submission).

Allele frequency attached by ClinVar (database versions not stated): gnomAD 0.00001.
gnomAD v4.1: 5 of 1,060,736 alleles (0.00047%); highest among the groups gnomAD compares: Non-Finnish European, 0.00057%; no homozygotes.

Submission:

Labcorp Genetics (formerly Invitae), Labcorp
Classification: Uncertain significance. Last evaluated: 2025-02-19. Review status: criteria provided, single submitter. Criteria: Invitae Variant Classification Sherloc (09022015). Collection method: clinical testing. Allele origin: germline.
Comment: This sequence change falls in intron 1 of the LRP5 gene. It does not directly change the encoded amino acid sequence of the LRP5 protein. It affects a nucleotide within the consensus splice site. The frequency data for this variant in the population databases is considered unreliable, as metrics indicate insufficient coverage at this position in the gnomAD database. This variant has not been reported in the literature in individuals affected with LRP5-related conditions. ClinVar contains an entry for this variant (Variation ID: 2103708). Variants that disrupt the consensus splice site are a relatively common cause of aberrant splicing (PMID: 17576681, 9536098). Algorithms developed to predict the effect of sequence changes on RNA splicing suggest that this variant is not likely to affect RNA splicing. In summary, the available evidence is currently insufficient to determine the role of this variant in disease. Therefore, it has been classified as a Variant of Uncertain Significance.

Literature cited by the submitters: PubMed 17576681; PubMed 9536098.

NM_002335.4(LRP5):c.91+4G>A

Gene: LRP5 (LDL receptor related protein 5; plus strand). Cytogenetic location: 11q13.2.
Variant type: single nucleotide variant.
Coding change: c.91+4G>A on transcript NM_002335.4 (MANE Select); 4 bases into the intron after coding-DNA position 91, G replaced by A.
Molecular consequence: intron variant.
Genome position (GRCh38, 1-based): chr11:68,312,809, G>A. VCF-style: chr11-68312809-G-A. GRCh37 (hg19) VCF-style: chr11-68080277-G-A.
Other names: c.-1675+4G>A (NM_001291902.2).
Identifiers: ClinVar variation 2103708 (VCV002103708.4), dbSNP rs1188535039, ClinGen allele CA679589892.